The following is an entry in ClinVar:

ClinVar aggregate classification (germline): Uncertain significance (1 of 4 stars; one submission).

Conditions:
Epileptic encephalopathy. Identifiers: MedGen C0543888, HP:0200134.

gnomAD v4.1: 2 of 1,611,788 alleles (0.00012%); highest among the groups gnomAD compares: African/African-American, 0.0013%; no homozygotes.

Submission:

Labcorp Genetics (formerly Invitae), Labcorp
Classification: Uncertain significance for Epileptic encephalopathy. Last evaluated: 2024-03-20. Review status: criteria provided, single submitter. Criteria: Invitae Variant Classification Sherloc (09022015). Collection method: clinical testing. Allele origin: germline.
Comment: This sequence change replaces asparagine, which is neutral and polar, with aspartic acid, which is acidic and polar, at codon 150 of the GABBR2 protein (p.Asn150Asp). This variant is present in population databases (rs200293086, gnomAD 0.007%). This variant has not been reported in the literature in individuals affected with GABBR2-related conditions. Advanced modeling of protein sequence and biophysical properties (such as structural, functional, and spatial information, amino acid conservation, physicochemical variation, residue mobility, and thermodynamic stability) performed at Invitae indicates that this missense variant is not expected to disrupt GABBR2 protein function with a negative predictive value of 80%. In summary, the available evidence is currently insufficient to determine the role of this variant in disease. Therefore, it has been classified as a Variant of Uncertain Significance.

NM_005458.8(GABBR2):c.448A>G (p.Asn150Asp)

Gene: GABBR2 (gamma-aminobutyric acid type B receptor subunit 2; minus strand). Cytogenetic location: 9q22.33.
Variant type: single nucleotide variant.
Coding change: c.448A>G on transcript NM_005458.8 (MANE Select); coding-DNA position 448, A replaced by G.
Protein change: p.Asn150Asp; replaces asparagine 150 with aspartic acid.
Molecular consequence: missense variant.
Genome position (GRCh38, 1-based): chr9:98,577,946, T>C on the plus strand (A>G on the coding strand, the complement: GABBR2 is on the minus strand). VCF-style: chr9-98577946-T-C. GRCh37 (hg19) VCF-style: chr9-101340228-T-C.
Other names: short protein forms N150D.
Identifiers: ClinVar variation 3716517 (VCV003716517.2).
Genomic context (GRCh38, chr9:98,577,946, plus strand): 5'-GGGCCAACCAAAGACACCTCCCCACAAAAGAAGGTAGCTCAGACCTTACCTGCACCAGAT[T>C]CCAGCCTTGGAGGGACTCTGCAATGATGGATGTGACGGATGGACAGACGCCTCCAAACAC-3'
Protein context (NP_005449.5, residues 140-160): SIIAESLQGW[Asn150Asp]LVQLSFAATT